The following is an entry in ClinVar:

ClinVar aggregate classification (germline): Uncertain significance (1 of 4 stars; one submission).

Submission:

GeneDx
Classification: Uncertain significance. Last evaluated: 2021-01-20. Review status: criteria provided, single submitter. Criteria: GeneDx Variant Classification Process June 2021. Collection method: clinical testing. Allele origin: germline. Affected: yes.
Comment: Not observed in large population cohorts (Lek et al., 2016); Frameshift variant predicted to result in protein truncation or nonsense mediated decay in a gene for which loss-of-function is not a known mechanism of disease; Has not been previously published as pathogenic or benign to our knowledge

NM_001113491.2(SEPTIN9):c.651_652del (p.Gln218fs)

Gene: SEPTIN9 (septin 9; plus strand). Cytogenetic location: 17q25.3.
Variant type: Microsatellite.
Coding change: c.651_652del on transcript NM_001113491.2 (MANE Select); coding-DNA positions 651 to 652, 2 bases deleted (TC; older notation c.651_652delTC).
Protein change: p.Gln218fs; shifts the reading frame from glutamine 218.
Molecular consequence: frameshift variant.
Genome position (GRCh38, 1-based): chr17:77,402,633-77,402,634, TC deleted; deleting any 2 consecutive bases within chr17:77,402,631-77,402,634 gives the same sequence; the c. name uses the placement nearest the transcript's 3' end. VCF-style (leftmost placement, unchanged base first): chr17-77402630-GTC-G. GRCh37 (hg19) VCF-style: chr17-75398712-GTC-G.
Other names: c.159_160del, p.Gln54fs (NM_001113492.2, NM_001113494.1); c.630_631del, p.Gln211fs (NM_001113493.2); c.594_595del, p.Gln199fs (NM_001293695.2); c.597_598del, p.Gln200fs (NM_006640.5); short protein forms Q199fs, Q200fs, Q211fs, Q218fs, Q54fs.
Identifiers: ClinVar variation 1314026 (VCV001314026.2), dbSNP rs2144101174, ClinGen allele CA2580613252.